The following is an entry in ClinVar:

ClinVar aggregate classification (germline): Uncertain significance (1 of 4 stars; one submission).

gnomAD v4.1: 11 of 1,613,098 alleles (0.00068%); highest among the groups gnomAD compares: South Asian, 0.011%; no homozygotes.

Submission:

Labcorp Genetics (formerly Invitae), Labcorp
Classification: Uncertain significance. Last evaluated: 2024-05-06. Review status: criteria provided, single submitter. Criteria: Invitae Variant Classification Sherloc (09022015). Collection method: clinical testing. Allele origin: germline.
Comment: This sequence change replaces alanine, which is neutral and non-polar, with threonine, which is neutral and polar, at codon 3966 of the ANK3 protein (p.Ala3966Thr). The frequency data for this variant in the population databases is considered unreliable, as metrics indicate poor data quality at this position in the gnomAD database. This variant has not been reported in the literature in individuals affected with ANK3-related conditions. Algorithms developed to predict the effect of missense changes on protein structure and function output the following: SIFT: "Not Available"; PolyPhen-2: "Benign"; Align-GVGD: "Not Available". The threonine amino acid residue is found in multiple mammalian species, which suggests that this missense change does not adversely affect protein function. In summary, the available evidence is currently insufficient to determine the role of this variant in disease. Therefore, it has been classified as a Variant of Uncertain Significance.

NM_020987.5(ANK3):c.11896G>A (p.Ala3966Thr)

Gene: ANK3 (ankyrin 3; minus strand). Cytogenetic location: 10q21.2.
Variant type: single nucleotide variant.
Coding change: c.11896G>A on transcript NM_020987.5 (MANE Select); coding-DNA position 11896, G replaced by A.
Protein change: p.Ala3966Thr; replaces alanine 3966 with threonine.
Molecular consequence: missense variant. On other transcripts: intron variant (4).
Genome position (GRCh38, 1-based): chr10:60,068,985, C>T on the plus strand (G>A on the coding strand, the complement: ANK3 is on the minus strand). VCF-style: chr10-60068985-C-T. GRCh37 (hg19) VCF-style: chr10-61828743-C-T.
Other names: c.4388-976G>A (NM_001204403.2); c.4409-976G>A (NM_001204404.2); c.4406-976G>A (NM_001320874.2); c.1808-976G>A (NM_001149.4); short protein forms A3966T.
Identifiers: ClinVar variation 3613428 (VCV003613428.2).